The following is an entry in ClinVar:

ClinVar aggregate classification (germline): Uncertain significance. Review status: criteria provided, multiple submitters, no conflicts (2 of 4 stars). 3 submissions from 3 submitters: Uncertain significance (3). Last evaluated 2026-02-04.

Conditions:
Distal myopathy with posterior leg and anterior hand involvement. Also called: WILLIAMS DISTAL MYOPATHY. Identifiers: Orphanet 63273, MedGen C3279722, MONDO:0013550, OMIM 614065.
Myofibrillar myopathy 5. Also called: Filaminopathy (type); FILAMINOPATHY, AUTOSOMAL DOMINANT. Identifiers: Orphanet 171445, MedGen C1836050, MONDO:0012289, OMIM 609524.
Hypertrophic cardiomyopathy 26. Also called: Cardiomyopathy, familial hypertrophic, 26. Identifiers: Orphanet 75249, MedGen C4310749, MONDO:0014883, OMIM 617047.
Cardiovascular phenotype. Identifiers: MedGen CN230736.
FLNC-related disorder. Also called: FLNC-related condition; FLNC-related disorders.

Allele frequency attached by ClinVar (database versions not stated): gnomAD exomes below 0.00001.

Submissions (3):

Ambry Genetics
Classification: Uncertain significance for Cardiovascular phenotype. Last evaluated: 2026-02-04. Review status: criteria provided, single submitter. Criteria: Ambry Variant Classification Scheme 2023. Collection method: clinical testing. Allele origin: germline.
Comment: The p.K1935E variant (also known as c.5803A>G), located in coding exon 35 of the FLNC gene, results from an A to G substitution at nucleotide position 5803. The lysine at codon 1935 is replaced by glutamic acid, an amino acid with similar properties. This amino acid position is highly conserved in available vertebrate species. In addition, the in silico prediction for this alteration is inconclusive. Based on the available evidence, the clinical significance of this variant remains unclear.

PreventionGenetics, part of Exact Sciences
Classification: Uncertain significance for FLNC-related condition. Last evaluated: 2025-03-28. Review status: criteria provided, single submitter. Criteria: ACMG Guidelines, 2015. Collection method: clinical testing. Allele origin: germline.
Comment: The FLNC c.5803A>G variant is predicted to result in the amino acid substitution p.Lys1935Glu. To our knowledge, this variant has not been reported in the literature or in a large population database (gnomAD), indicating this variant is rare. At this time, the clinical significance of this variant is uncertain due to the absence of conclusive functional and genetic evidence.

Labcorp Genetics (formerly Invitae), Labcorp
Classification: Uncertain significance for Distal myopathy with posterior leg and anterior hand involvement; Myofibrillar myopathy 5; Hypertrophic cardiomyopathy 26. Last evaluated: 2022-07-06. Review status: criteria provided, single submitter. Criteria: Invitae Variant Classification Sherloc (09022015). Collection method: clinical testing. Allele origin: germline.
Comment: This variant is not present in population databases (gnomAD no frequency). In summary, the available evidence is currently insufficient to determine the role of this variant in disease. Therefore, it has been classified as a Variant of Uncertain Significance. Algorithms developed to predict the effect of missense changes on protein structure and function are either unavailable or do not agree on the potential impact of this missense change (SIFT: "Deleterious"; PolyPhen-2: "Possibly Damaging"; Align-GVGD: "Class C0"). ClinVar contains an entry for this variant (Variation ID: 945918). This variant has not been reported in the literature in individuals affected with FLNC-related conditions. This sequence change replaces lysine, which is basic and polar, with glutamic acid, which is acidic and polar, at codon 1935 of the FLNC protein (p.Lys1935Glu).

NM_001458.5(FLNC):c.5803A>G (p.Lys1935Glu)

Genes: FLNC (filamin C; plus strand), FLNC-AS1 (FLNC antisense RNA 1; minus strand). Cytogenetic location: 7q32.1.
Variant type: single nucleotide variant.
Coding change: c.5803A>G on transcript NM_001458.5 (MANE Select); coding-DNA position 5803, A replaced by G.
Protein change: p.Lys1935Glu; replaces lysine 1935 with glutamic acid.
Molecular consequence: missense variant.
Genome position (GRCh38, 1-based): chr7:128,851,589, A>G. VCF-style: chr7-128851589-A-G. GRCh37 (hg19) VCF-style: chr7-128491643-A-G.
Other names: c.5704A>G, p.Lys1902Glu (NM_001127487.2); short protein forms K1935E, K1902E.
Identifiers: ClinVar variation 945918 (VCV000945918.12), dbSNP rs1808817011, ClinGen allele CA369208513.
Genomic context (GRCh38, chr7:128,851,589, plus strand): 5'-ACCGTGTCCTATCTGCCGACTGCGCCTGGAGACTACAGCATCATCGTGCGCTTCGATGAC[A>G]AGCACATCCCGGGGAGCCCCTTCACAGCCAAGATCACAGGTGAGGCGGGTGTATGGGCAT-3'
Protein context (NP_001449.3, residues 1925-1945): DYSIIVRFDD[Lys1935Glu]HIPGSPFTAK